The following is an entry in ClinVar:

NM_002303.6(LEPR):c.3400A>G (p.Ser1134Gly)

Gene: LEPR (leptin receptor; plus strand). Cytogenetic location: 1p31.3.
Variant type: single nucleotide variant.
Coding change: c.3400A>G on transcript NM_002303.6 (MANE Select); coding-DNA position 3400, A replaced by G.
Protein change: p.Ser1134Gly; replaces serine 1134 with glycine.
Molecular consequence: missense variant.
Genome position (GRCh38, 1-based): chr1:65,636,917, A>G. VCF-style: chr1-65636917-A-G. GRCh37 (hg19) VCF-style: chr1-66102600-A-G.
Other names: short protein forms S1134G.
Identifiers: ClinVar variation 3349845 (VCV003349845.1).

ClinVar aggregate classification (germline): Uncertain significance (0 of 4 stars; one submission).

Conditions:
LEPR-related disorder. Also called: LEPR-related condition; LEPR-related disorders.

gnomAD v4.1: 4 of 1,608,092 alleles (0.00025%); highest among the groups gnomAD compares: African/African-American, 0.004%; no homozygotes.

Submission:

PreventionGenetics, part of Exact Sciences
Classification: Uncertain significance for LEPR-related condition. Last evaluated: 2024-03-05. Review status: no assertion criteria provided. Collection method: clinical testing. Allele origin: germline.
Comment: The LEPR c.3400A>G variant is predicted to result in the amino acid substitution p.Ser1134Gly. To our knowledge, this variant has not been reported in the literature or in a large population database, indicating this variant is rare. At this time, the clinical significance of this variant is uncertain due to the absence of conclusive functional and genetic evidence.